The following is an entry in ClinVar:

NM_199242.3(UNC13D):c.1298G>A (p.Arg433Lys)

Gene: UNC13D (unc-13 homolog D; minus strand). Cytogenetic location: 17q25.1.
Variant type: single nucleotide variant.
Coding change: c.1298G>A on transcript NM_199242.3 (MANE Select); coding-DNA position 1298, G replaced by A.
Protein change: p.Arg433Lys; replaces arginine 433 with lysine.
Molecular consequence: missense variant.
Genome position (GRCh38, 1-based): chr17:75,836,572, C>T on the plus strand (G>A on the coding strand, the complement: UNC13D is on the minus strand). VCF-style: chr17-75836572-C-T. GRCh37 (hg19) VCF-style: chr17-73832653-C-T.
Other names: short protein forms R433K.
Identifiers: ClinVar variation 2148384 (VCV002148384.1), dbSNP rs761457057, ClinGen allele CA8773047.

ClinVar aggregate classification (germline): Uncertain significance (1 of 4 stars; one submission).

Conditions:
Familial hemophagocytic lymphohistiocytosis 3 (FHL3). Also called: UNC13D-Related Familial Hemophagocytic Lymphohistiocytosis (UNC13D-fHLH). Identifiers: Orphanet 540, MedGen C1837174, MONDO:0012146, OMIM 608898.

Allele frequency attached by ClinVar (database versions not stated): gnomAD exomes below 0.00001; TOPMed below 0.00001; gnomAD 0.00001; ExAC 0.00002.
gnomAD v4.1: 5 of 1,613,512 alleles (0.00031%); highest among the groups gnomAD compares: East Asian, 0.0067%; no homozygotes.

Submission:

Labcorp Genetics (formerly Invitae), Labcorp
Classification: Uncertain significance for Familial hemophagocytic lymphohistiocytosis 3. Last evaluated: 2022-06-22. Review status: criteria provided, single submitter. Criteria: Invitae Variant Classification Sherloc (09022015). Collection method: clinical testing. Allele origin: germline.
Comment: This sequence change replaces arginine, which is basic and polar, with lysine, which is basic and polar, at codon 433 of the UNC13D protein (p.Arg433Lys). This variant also falls at the last nucleotide of exon 14, which is part of the consensus splice site for this exon. This variant is present in population databases (rs761457057, gnomAD 0.01%). This variant has not been reported in the literature in individuals affected with UNC13D-related conditions. Algorithms developed to predict the effect of missense changes on protein structure and function are either unavailable or do not agree on the potential impact of this missense change (SIFT: "Not Available"; PolyPhen-2: "Probably Damaging"; Align-GVGD: "Not Available"). Variants that disrupt the consensus splice site are a relatively common cause of aberrant splicing (PMID: 17576681, 9536098). Algorithms developed to predict the effect of sequence changes on RNA splicing suggest that this variant may create or strengthen a splice site. In summary, the available evidence is currently insufficient to determine the role of this variant in disease. Therefore, it has been classified as a Variant of Uncertain Significance.

Literature cited by the submitters: PubMed 17576681; PubMed 9536098.